The following is an entry in ClinVar:

ClinVar aggregate classification (germline): Uncertain significance (1 of 4 stars; one submission).

Conditions:
Hereditary cancer-predisposing syndrome. Also called: Tumor predisposition; Hereditary Cancer Syndrome; Hereditary neoplastic syndrome; Neoplastic Syndromes, Hereditary. Identifiers: Orphanet 140162, MedGen C0027672, MeSH D009386, MONDO:0015356.

Submission:

Ambry Genetics
Classification: Uncertain significance for Hereditary cancer-predisposing syndrome. Last evaluated: 2026-02-05. Review status: criteria provided, single submitter. Criteria: Ambry Variant Classification Scheme 2023. Collection method: clinical testing. Allele origin: germline.
Comment: The c.438-5C>A intronic variant results from a C to A substitution 5 nucleotides upstream from coding exon 7 in the BAP1 gene. This nucleotide position is not well conserved in available vertebrate species. In silico splice site analysis predicts that this alteration will not have any significant effect on splicing. Based on the available evidence, the clinical significance of this variant remains unclear.

NM_004656.4(BAP1):c.438-5C>A

Gene: BAP1 (BRCA1 associated deubiquitinase 1; minus strand). Cytogenetic location: 3p21.1.
Variant type: single nucleotide variant.
Coding change: c.438-5C>A on transcript NM_004656.4 (MANE Select); 5 bases into the intron before coding-DNA position 438, C replaced by A.
Molecular consequence: intron variant.
Genome position (GRCh38, 1-based): chr3:52,407,321, G>T on the plus strand (C>A on the coding strand, the complement: BAP1 is on the minus strand). VCF-style: chr3-52407321-G-T. GRCh37 (hg19) VCF-style: chr3-52441337-G-T.
Identifiers: ClinVar variation 1740178 (VCV001740178.3), dbSNP rs1462184055, ClinGen allele CA543057061.